The following is an entry in ClinVar:

NM_000539.3(RHO):c.823A>C (p.Ile275Leu)

Gene: RHO (rhodopsin; plus strand). Cytogenetic location: 3q22.1.
Variant type: single nucleotide variant.
Coding change: c.823A>C on transcript NM_000539.3 (MANE Select); coding-DNA position 823, A replaced by C.
Protein change: p.Ile275Leu; replaces isoleucine 275 with leucine.
Molecular consequence: missense variant.
Genome position (GRCh38, 1-based): chr3:129,532,659, A>C. VCF-style: chr3-129532659-A-C. GRCh37 (hg19) VCF-style: chr3-129251502-A-C.
Other names: short protein forms I275L.
Identifiers: ClinVar variation 1057232 (VCV001057232.10), dbSNP rs761022507, ClinGen allele CA354470482.

ClinVar aggregate classification (germline): Uncertain significance. Review status: criteria provided, multiple submitters, no conflicts (2 of 4 stars). 2 submissions from 2 submitters: Uncertain significance (2). Last evaluated 2022-10-24.

Submissions (2):

Blueprint Genetics
Classification: Uncertain significance. Last evaluated: 2022-10-24. Review status: criteria provided, single submitter. Criteria: ACMG Guidelines, 2015. Collection method: clinical testing. Allele origin: germline.

Labcorp Genetics (formerly Invitae), Labcorp
Classification: Uncertain significance. Last evaluated: 2020-07-30. Review status: criteria provided, single submitter. Criteria: Invitae Variant Classification Sherloc (09022015). Collection method: clinical testing. Allele origin: germline.
Comment: This sequence change replaces isoleucine with leucine at codon 275 of the RHO protein (p.Ile275Leu). The isoleucine residue is highly conserved and there is a small physicochemical difference between isoleucine and leucine. In summary, the available evidence is currently insufficient to determine the role of this variant in disease. Therefore, it has been classified as a Variant of Uncertain Significance. Advanced modeling of protein sequence and biophysical properties (such as structural, functional, and spatial information, amino acid conservation, physicochemical variation, residue mobility, and thermodynamic stability) performed at Invitae indicates that this missense variant is not expected to disrupt RHO protein function. This variant has not been reported in the literature in individuals with RHO-related conditions. This variant is not present in population databases (ExAC no frequency).